The following is an entry in ClinVar:

ClinVar aggregate classification (germline): Pathogenic/Likely pathogenic. Review status: criteria provided, multiple submitters, no conflicts (2 of 4 stars). 2 submissions from 2 submitters: Pathogenic (1); Likely pathogenic (1). Last evaluated 2026-03-23.

Conditions:
3-methylcrotonyl-CoA carboxylase 2 deficiency. Also called: 3 alpha methylcrotonyl-CoA carboxylase 2 deficiency; 3 alpha methylcrotonylglycinuria 2; MCC 2 deficiency; Methylcrotonylglycinuria type 2; METHYLCROTONYLGLYCINURIA, TYPE II. Identifiers: Orphanet 6, MedGen C1859499, MONDO:0008862, OMIM 210210.

Allele frequency attached by ClinVar (database versions not stated): gnomAD exomes below 0.00001.
gnomAD v4.1: 3 of 1,612,956 alleles (0.00019%); highest among the groups gnomAD compares: Non-Finnish European, 0.00025%; no homozygotes.

Submissions (2):

Myriad Genetics, Inc.
Classification: Likely pathogenic for 3-methylcrotonyl-CoA carboxylase 2 deficiency. Last evaluated: 2026-03-23. Review status: criteria provided, single submitter. Criteria: Myriad Autosomal Dominant, Autosomal Recessive and X-Linked Classification Criteria (2023). Collection method: clinical testing. Allele origin: unknown.
Comment: NM_022132.4(MCCC2):c.1150-1G>A is a variant in a canonical splice site classified as likely pathogenic in the context of 3-methylcrotonyl-CoA carboxylase deficiency, MCCC2-related. c.1150-1G>A has been observed in a case with relevant disease (PMID: 29767664). Relevant functional assessments of this variant are not available in the literature. c.1150-1G>A has not been observed in referenced population frequency databases. In summary, NM_022132.4(MCCC2):c.1150-1G>A is a variant in a canonical splice site in a gene where loss of function is a known mechanism of disease, is predicted to disrupt protein function, and has been observed more frequently in cases with the relevant disease than in healthy populations. Please note: this variant was assessed in the context of healthy population screening.

Labcorp Genetics (formerly Invitae), Labcorp
Classification: Pathogenic for 3-methylcrotonyl-CoA carboxylase 2 deficiency. Last evaluated: 2023-12-02. Review status: criteria provided, single submitter. Criteria: Invitae Variant Classification Sherloc (09022015). Collection method: clinical testing. Allele origin: germline.
Comment: This sequence change affects an acceptor splice site in intron 12 of the MCCC2 gene. It is expected to disrupt RNA splicing. Variants that disrupt the donor or acceptor splice site typically lead to a loss of protein function (PMID: 16199547), and loss-of-function variants in MCCC2 are known to be pathogenic (PMID: 11181649, 22642865). This variant is not present in population databases (gnomAD no frequency). Disruption of this splice site has been observed in individual(s) with 3 methylcrotonyl-CoA carboxylase deficiency (PMID: 29767664). In at least one individual the data is consistent with being in trans (on the opposite chromosome) from a pathogenic variant. ClinVar contains an entry for this variant (Variation ID: 2152002). Algorithms developed to predict the effect of sequence changes on RNA splicing suggest that this variant may disrupt the consensus splice site. For these reasons, this variant has been classified as Pathogenic.

Literature cited by the submitters: PubMed 29767664 (cited by Myriad Genetics, Inc. and Labcorp Genetics (formerly Invitae), Labcorp); PubMed 16199547 (cited by Labcorp Genetics (formerly Invitae), Labcorp); PubMed 11181649 (cited by Labcorp Genetics (formerly Invitae), Labcorp); PubMed 22642865 (cited by Labcorp Genetics (formerly Invitae), Labcorp).

NM_022132.5(MCCC2):c.1150-1G>A

Gene: MCCC2 (methylcrotonyl-CoA carboxylase subunit 2; plus strand). Cytogenetic location: 5q13.2.
Variant type: single nucleotide variant.
Coding change: c.1150-1G>A on transcript NM_022132.5 (MANE Select); the canonical splice acceptor site of the intron before coding-DNA position 1150, G replaced by A.
Molecular consequence: splice acceptor variant.
Genome position (GRCh38, 1-based): chr5:71,646,210, G>A. VCF-style: chr5-71646210-G-A. GRCh37 (hg19) VCF-style: chr5-70942037-G-A.
Other names: c.1036-1G>A (NM_001363147.1).
Identifiers: ClinVar variation 2152002 (VCV002152002.6), dbSNP rs2530853368, ClinGen allele CA359993985.
Genomic context (GRCh38, chr5:71,646,210, plus strand): 5'-ATGCATGATGATAATAGAGTTAATTCCCTTTTAAAAAGATTTTTATGTTATTTGCTTATA[G>A]GGTACTCACTTTGTCCAGTTATGCTGCCAAAGAAATATTCCTCTGCTGTTCCTTCAAAAC-3'